The following is an entry in ClinVar:

NM_018319.4(TDP1):c.1342C>T (p.Arg448Trp)

Gene: TDP1 (tyrosyl-DNA phosphodiesterase 1; plus strand). Cytogenetic location: 14q32.11.
Variant type: single nucleotide variant.
Coding change: c.1342C>T on transcript NM_018319.4 (MANE Select); coding-DNA position 1342, C replaced by T.
Protein change: p.Arg448Trp; replaces arginine 448 with tryptophan.
Molecular consequence: missense variant.
Genome position (GRCh38, 1-based): chr14:89,989,741, C>T. VCF-style: chr14-89989741-C-T. GRCh37 (hg19) VCF-style: chr14-90456085-C-T.
Other names: p.Arg448Trp; c.1342C>T, p.Arg448Trp (NM_001008744.2, NM_001330205.2); short protein forms R448W.
Identifiers: ClinVar variation 314836 (VCV000314836.16), dbSNP rs141725364, ClinGen allele CA7303920.

ClinVar aggregate classification (germline): Uncertain significance. Review status: criteria provided, multiple submitters, no conflicts (2 of 4 stars). 4 submissions from 4 submitters: Uncertain significance (4). Last evaluated 2025-01-20.

Conditions:
Spinocerebellar ataxia, autosomal recessive, with axonal neuropathy 1 (SCAN1). Identifiers: Orphanet 94124, MedGen C4759870, MONDO:0011801, OMIM 607250.

Allele frequency attached by ClinVar (database versions not stated): gnomAD exomes 0.00007; gnomAD 0.00011; TOPMed 0.00011; ExAC 0.00013; 1000 Genomes Project 30x 0.00016; ESP Exome Variant Server 0.00046.
gnomAD v4.1: 151 of 1,610,758 alleles (0.0094%); highest among the groups gnomAD compares: Non-Finnish European, 0.012%; 1 homozygote.

Submissions (4):

Athena Diagnostics
Classification: Uncertain significance. Last evaluated: 2025-01-20. Review status: criteria provided, single submitter. Criteria: Athena Diagnostics Criteria. Collection method: clinical testing. Allele origin: unknown.
Comment: Available data are insufficient to determine the clinical significance of the variant at this time. The frequency of this variant in the general population is uninformative in assessment of its pathogenicity. Polyphen and MutationTaster predict this amino acid change may be damaging to the protein.

Mayo Clinic Laboratories, Mayo Clinic
Classification: Uncertain significance. Last evaluated: 2024-04-22. Review status: criteria provided, single submitter. Criteria: ACMG Guidelines, 2015. Collection method: clinical testing. Allele origin: germline. Observed: 2 variant alleles.

Illumina Laboratory Services, Illumina
Classification: Uncertain significance for Spinocerebellar ataxia, autosomal recessive, with axonal neuropathy 1. Last evaluated: 2018-01-13. Review status: criteria provided, single submitter. Criteria: ICSL Variant Classification Criteria 13 December 2019. Collection method: clinical testing. Allele origin: germline.

ARUP Laboratories, Molecular Genetics and Genomics, ARUP Laboratories
Classification: Uncertain significance. Last evaluated: 2017-04-14. Review status: criteria provided, single submitter. Criteria: ARUP Molecular Germline Variant Investigation Process. Collection method: clinical testing. Allele origin: germline.

Literature cited by the submitters: PubMed 35588347 (cited by Athena Diagnostics).